The following is an entry in ClinVar:

ClinVar aggregate classification (germline): Benign/Likely benign. Review status: criteria provided, multiple submitters, no conflicts (2 of 4 stars). 7 submissions from 5 submitters: Benign (1); Likely benign (6). Last evaluated 2026-01-13.

Conditions:
Greig cephalopolysyndactyly syndrome (GCPS). Also called: POLYSYNDACTYLY WITH PECULIAR SKULL SHAPE; GLI3-Related Greig Cephalopolysyndactyly Syndrome; Greig syndrome. Identifiers: Orphanet 380, MedGen C0265306, MONDO:0008287, OMIM 175700.
Polydactyly, postaxial, type A1. Identifiers: MedGen C4282400, MONDO:0008266, OMIM 174200.
Pallister-Hall syndrome (PHS). Also called: HYPOTHALAMIC HAMARTOBLASTOMA, HYPOPITUITARISM, IMPERFORATE ANUS, AND POSTAXIAL POLYDACTYLY; GLI3-Related Pallister-Hall Syndrome. Identifiers: Orphanet 672, MedGen C0265220, MONDO:0007804, OMIM 146510.
Polysyndactyly 4. Also called: Polysyndactyly uncomplicated; Preaxial polydactyly 4. Identifiers: Orphanet 93338, MedGen C1868111, MONDO:0008272, OMIM 174700.
Polydactyly. Also called: polydactylism. Identifiers: MedGen C0152427, MONDO:0021003, OMIM 603596, HP:0010442.

Allele frequency attached by ClinVar (database versions not stated): ESP Exome Variant Server 0.00008; gnomAD 0.00023 and 0.00046; TOPMed 0.00040; gnomAD exomes 0.00068 and 0.00097; ExAC 0.00120; 1000 Genomes Project 30x 0.00297; 1000 Genomes Project 0.00300.
gnomAD v4.1: 1,055 of 1,603,260 alleles (0.066%); highest among the groups gnomAD compares: East Asian, 1.5%; 8 homozygotes.

Submissions (7):

Labcorp Genetics (formerly Invitae), Labcorp
Classification: Benign for Pallister-Hall syndrome; Greig cephalopolysyndactyly syndrome. Last evaluated: 2026-01-13. Review status: criteria provided, single submitter. Criteria: Invitae Variant Classification Sherloc (09022015). Collection method: clinical testing. Allele origin: germline.

Blueprint Genetics
Classification: Likely benign. Last evaluated: 2024-11-20. Review status: criteria provided, single submitter. Criteria: ACMG Guidelines, 2015. Collection method: clinical testing. Allele origin: germline.

Fulgent Genetics
Classification: Likely benign for Pallister-Hall syndrome; Polydactyly, postaxial, type A1; Polysyndactyly 4; Greig cephalopolysyndactyly syndrome. Last evaluated: 2021-08-16. Review status: criteria provided, single submitter. Criteria: ACMG Guidelines, 2015. Collection method: clinical testing. Allele origin: unknown.

GeneDx
Classification: Likely benign. Last evaluated: 2020-10-06. Review status: criteria provided, single submitter. Criteria: GeneDx Variant Classification Process June 2021. Collection method: clinical testing. Allele origin: germline. Affected: yes.

Illumina Laboratory Services, Illumina
Classification: Likely benign for Polydactyly. Last evaluated: 2017-04-27. Review status: criteria provided, single submitter. Criteria: ICSL Variant Classification Criteria 13 December 2019. Collection method: clinical testing. Allele origin: germline.
Comment: This variant was observed as part of a predisposition screen in an ostensibly healthy population. A literature search was performed for the gene, cDNA change, and amino acid change (where applicable). No publications were found based on this search. Allele frequency data from public databases allowed determination this variant is unlikely to cause disease. Therefore, this variant is classified as likely benign.

Illumina Laboratory Services, Illumina
Classification: Likely benign for Pallister-Hall syndrome. Last evaluated: 2017-04-27. Review status: criteria provided, single submitter. Criteria: ICSL Variant Classification Criteria 13 December 2019. Collection method: clinical testing. Allele origin: germline.
Comment: the same text as in the submission from Illumina Laboratory Services, Illumina above.

Illumina Laboratory Services, Illumina
Classification: Likely benign for Greig cephalopolysyndactyly syndrome. Last evaluated: 2017-04-27. Review status: criteria provided, single submitter. Criteria: ICSL Variant Classification Criteria 13 December 2019. Collection method: clinical testing. Allele origin: germline.
Comment: the same text as in the submission from Illumina Laboratory Services, Illumina above.

NM_000168.6(GLI3):c.474-4C>T

Gene: GLI3 (GLI family zinc finger 3; minus strand). Cytogenetic location: 7p14.1.
Variant type: single nucleotide variant.
Coding change: c.474-4C>T on transcript NM_000168.6 (MANE Select); 4 bases into the intron before coding-DNA position 474, C replaced by T.
Molecular consequence: intron variant.
Genome position (GRCh38, 1-based): chr7:42,048,700, G>A on the plus strand (C>T on the coding strand, the complement: GLI3 is on the minus strand). VCF-style: chr7-42048700-G-A. GRCh37 (hg19) VCF-style: chr7-42088299-G-A.
Identifiers: ClinVar variation 360255 (VCV000360255.19), dbSNP rs74536326, ClinGen allele CA4231168.